The following is an entry in ClinVar:

ClinVar aggregate classification (germline): Uncertain significance (1 of 4 stars; one submission).

Conditions:
Hereditary diffuse gastric adenocarcinoma (HDGC). Also called: DIFFUSE GASTRIC AND LOBULAR BREAST CANCER SYNDROME. Identifiers: Orphanet 26106, MedGen C1708349, MONDO:0007648, OMIM 137215.

Submission:

Labcorp Genetics (formerly Invitae), Labcorp
Classification: Uncertain significance for Hereditary diffuse gastric adenocarcinoma. Last evaluated: 2022-12-24. Review status: criteria provided, single submitter. Criteria: Invitae Variant Classification Sherloc (09022015). Collection method: clinical testing. Allele origin: germline.
Comment: This variant is not present in population databases (gnomAD no frequency). This sequence change replaces proline, which is neutral and non-polar, with threonine, which is neutral and polar, at codon 826 of the CDH1 protein (p.Pro826Thr). This variant has not been reported in the literature in individuals affected with CDH1-related conditions. In summary, the available evidence is currently insufficient to determine the role of this variant in disease. Therefore, it has been classified as a Variant of Uncertain Significance. Algorithms developed to predict the effect of missense changes on protein structure and function are either unavailable or do not agree on the potential impact of this missense change (SIFT: "Deleterious"; PolyPhen-2: "Probably Damaging"; Align-GVGD: "Class C0").

NM_004360.5(CDH1):c.2476C>A (p.Pro826Thr)

Gene: CDH1 (cadherin 1; plus strand). Cytogenetic location: 16q22.1.
Variant type: single nucleotide variant.
Coding change: c.2476C>A on transcript NM_004360.5 (MANE Select); coding-DNA position 2476, C replaced by A.
Protein change: p.Pro826Thr; replaces proline 826 with threonine.
Molecular consequence: missense variant.
Genome position (GRCh38, 1-based): chr16:68,833,326, C>A. VCF-style: chr16-68833326-C-A. GRCh37 (hg19) VCF-style: chr16-68867229-C-A.
Other names: c.2293C>A, p.Pro765Thr (NM_001317184.2); c.928C>A, p.Pro310Thr (NM_001317185.2); c.511C>A, p.Pro171Thr (NM_001317186.2); short protein forms P826T, P765T, P171T, P310T.
Identifiers: ClinVar variation 2823741 (VCV002823741.3), dbSNP rs1961534415, ClinGen allele CA396472069.